The following is an entry in ClinVar:

ClinVar aggregate classification (germline): Pathogenic (1 of 4 stars; one submission).

gnomAD v4.1: 4 of 1,614,102 alleles (0.00025%); highest among the groups gnomAD compares: African/African-American, 0.0053%; no homozygotes.

Submission:

Labcorp Genetics (formerly Invitae), Labcorp
Classification: Pathogenic. Last evaluated: 2025-01-03. Review status: criteria provided, single submitter. Criteria: Invitae Variant Classification Sherloc (09022015). Collection method: clinical testing. Allele origin: germline.
Comment: This sequence change creates a premature translational stop signal (p.Gln269*) in the PCARE gene. It is expected to result in an absent or disrupted protein product. Loss-of-function variants in PCARE are known to be pathogenic (PMID: 20398886, 24339724, 26496393). This variant is not present in population databases (gnomAD no frequency). This variant has not been reported in the literature in individuals affected with PCARE-related conditions. For these reasons, this variant has been classified as Pathogenic.

Literature cited by the submitters: PubMed 20398886; PubMed 24339724; PubMed 26496393.

NM_001029883.3(PCARE):c.805C>T (p.Gln269Ter)

Gene: PCARE (photoreceptor cilium actin regulator; minus strand). Cytogenetic location: 2p23.2.
Variant type: single nucleotide variant.
Coding change: c.805C>T on transcript NM_001029883.3 (MANE Select); coding-DNA position 805, C replaced by T.
Protein change: p.Gln269Ter; replaces glutamine 269 with a stop codon.
Molecular consequence: nonsense.
Genome position (GRCh38, 1-based): chr2:29,073,457, G>A on the plus strand (C>T on the coding strand, the complement: PCARE is on the minus strand). VCF-style: chr2-29073457-G-A. GRCh37 (hg19) VCF-style: chr2-29296323-G-A.
Other names: short protein forms Q269*.
Identifiers: ClinVar variation 3697777 (VCV003697777.2).